The following is an entry in ClinVar:

NM_182961.4(SYNE1):c.5798C>T (p.Ala1933Val)

Gene: SYNE1 (spectrin repeat containing nuclear envelope protein 1; minus strand). Cytogenetic location: 6q25.2.
Variant type: single nucleotide variant.
Coding change: c.5798C>T on transcript NM_182961.4 (MANE Select); coding-DNA position 5798, C replaced by T.
Protein change: p.Ala1933Val; replaces alanine 1933 with valine.
Molecular consequence: missense variant.
Genome position (GRCh38, 1-based): chr6:152,416,639, G>A on the plus strand (C>T on the coding strand, the complement: SYNE1 is on the minus strand). VCF-style: chr6-152416639-G-A. GRCh37 (hg19) VCF-style: chr6-152737774-G-A.
Other names: c.5819C>T, p.Ala1940Val (NM_033071.5); short protein forms A1933V, A1940V.
Identifiers: ClinVar variation 1393336 (VCV001393336.8), dbSNP rs2154182197, ClinGen allele CA366132136.

ClinVar aggregate classification (germline): Uncertain significance (1 of 4 stars; one submission).

Conditions:
Emery-Dreifuss muscular dystrophy 4, autosomal dominant (EDMD4). Also called: EMERY-DREIFUSS MUSCULAR DYSTROPHY 4 WITH VARIABLE FEATURES. Identifiers: Orphanet 261, MedGen C2751807, MONDO:0013071, OMIM 612998.
Autosomal recessive ataxia, Beauce type. Also called: SYNE1-Related Autosomal Recessive Cerebellar Ataxia; Spinocerebellar ataxia, autosomal recessive 8; ATAXIA, RECESSIVE, OF BEAUCE; SYNE1 Deficiency. Identifiers: Orphanet 88644, MedGen C1853116, MONDO:0012549, OMIM 610743.

gnomAD v4.1: 1 of 1,614,184 alleles (0.000062%); highest among the groups gnomAD compares: South Asian, 0.0011%; no homozygotes.

Submission:

Labcorp Genetics (formerly Invitae), Labcorp
Classification: Uncertain significance for Emery-Dreifuss muscular dystrophy 4, autosomal dominant; Autosomal recessive ataxia, Beauce type. Last evaluated: 2022-04-22. Review status: criteria provided, single submitter. Criteria: Invitae Variant Classification Sherloc (09022015). Collection method: clinical testing. Allele origin: germline.
Comment: This variant has not been reported in the literature in individuals affected with SYNE1-related conditions. This sequence change replaces alanine, which is neutral and non-polar, with valine, which is neutral and non-polar, at codon 1940 of the SYNE1 protein (p.Ala1940Val). This variant is not present in population databases (gnomAD no frequency). Algorithms developed to predict the effect of missense changes on protein structure and function (SIFT, PolyPhen-2, Align-GVGD) all suggest that this variant is likely to be disruptive. In summary, the available evidence is currently insufficient to determine the role of this variant in disease. Therefore, it has been classified as a Variant of Uncertain Significance.